The following is an entry in ClinVar:

NM_000038.6(APC):c.1077T>A (p.Leu359=)

Gene: APC (APC regulator of Wnt signaling pathway; plus strand). Cytogenetic location: 5q22.2.
Variant type: single nucleotide variant.
Coding change: c.1077T>A on transcript NM_000038.6 (MANE Select); coding-DNA position 1077, T replaced by A.
Protein change: p.Leu359=; no amino-acid change (leucine 359 retained).
Molecular consequence: synonymous variant. On other transcripts: intron variant (4).
Genome position (GRCh38, 1-based): chr5:112,819,109, T>A. VCF-style: chr5-112819109-T-A. GRCh37 (hg19) VCF-style: chr5-112154806-T-A.
Other names: c.1077T>A, p.Leu359= (NM_001127510.3, NM_001354895.2, NM_001354896.2); c.1023T>A, p.Leu341= (NM_001127511.3); c.1107T>A, p.Leu369= (NM_001354897.2); c.1002T>A, p.Leu334= (NM_001354898.2); c.993T>A, p.Leu331= (NM_001354899.2); c.900T>A, p.Leu300= (NM_001354900.2, NM_001354901.2); c.228T>A, p.Leu76= (NM_001354906.2); c.964-160T>A (NM_001354902.2); and 3 more.
Identifiers: ClinVar variation 798351 (VCV000798351.17), dbSNP rs1580529020, ClinGen allele CA445755824.

ClinVar aggregate classification (germline): Benign/Likely benign. Review status: criteria provided, multiple submitters, no conflicts (2 of 4 stars). 5 submissions from 5 submitters: Benign (1); Likely benign (4). Last evaluated 2025-10-18.

Conditions:
Hereditary cancer-predisposing syndrome. Also called: Neoplastic Syndromes, Hereditary; Hereditary neoplastic syndrome; Tumor predisposition; Hereditary Cancer Syndrome. Identifiers: Orphanet 140162, MedGen C0027672, MeSH D009386, MONDO:0015356.
Familial adenomatous polyposis 1 (FAP1). Also called: POLYPOSIS, ADENOMATOUS INTESTINAL; FAMILIAL ADENOMATOUS POLYPOSIS 1, ATTENUATED. Identifiers: MedGen C2713442, MONDO:0021056, OMIM 175100. Disease mechanism: loss of function.

Allele frequency attached by ClinVar (database versions not stated): gnomAD exomes below 0.00001.
gnomAD v4.1: 2 of 1,614,136 alleles (0.00012%); highest among the groups gnomAD compares: Admixed American, 0.0033%; no homozygotes.

Submissions (5):

Quest Diagnostics Nichols Institute San Juan Capistrano
Classification: Likely benign. Last evaluated: 2025-10-18. Review status: criteria provided, single submitter. Criteria: Quest Diagnostics criteria. Collection method: clinical testing. Allele origin: unknown.

Labcorp Genetics (formerly Invitae), Labcorp
Classification: Likely benign for Familial adenomatous polyposis 1. Last evaluated: 2025-04-24. Review status: criteria provided, single submitter. Criteria: Invitae Variant Classification Sherloc (09022015). Collection method: clinical testing. Allele origin: germline.

Myriad Genetics, Inc.
Classification: Benign for Familial adenomatous polyposis 1. Last evaluated: 2024-02-29. Review status: criteria provided, single submitter. Criteria: Myriad Autosomal Dominant, Autosomal Recessive and X-Linked Classification Criteria (2023). Collection method: clinical testing. Allele origin: unknown.
Comment: This variant is considered benign. This variant is a silent/synonymous amino acid change and it is not expected to impact splicing.

Ambry Genetics
Classification: Likely benign for Hereditary cancer-predisposing syndrome. Last evaluated: 2020-10-22. Review status: criteria provided, single submitter. Criteria: Ambry Variant Classification Scheme 2023. Collection method: clinical testing. Allele origin: germline.

Color Diagnostics, LLC DBA Color Health
Classification: Likely benign for Hereditary cancer-predisposing syndrome. Last evaluated: 2020-06-08. Review status: criteria provided, single submitter. Criteria: ACMG Guidelines, 2015. Collection method: clinical testing. Allele origin: germline.